The following is an entry in ClinVar:

ClinVar aggregate classification (germline): Uncertain significance (1 of 4 stars; one submission).

Submission:

GeneDx
Classification: Uncertain significance. Last evaluated: 2024-05-21. Review status: criteria provided, single submitter. Criteria: GeneDx Variant Classification Process June 2021. Collection method: clinical testing. Allele origin: germline. Affected: yes.
Comment: Not observed at significant frequency in large population cohorts (gnomAD); In silico analysis indicates that this missense variant does not alter protein structure/function; Has not been previously published as pathogenic or benign to our knowledge

NM_005754.3(G3BP1):c.580C>T (p.Pro194Ser)

Gene: G3BP1 (G3BP stress granule assembly factor 1; plus strand). Cytogenetic location: 5q33.1.
Variant type: single nucleotide variant.
Coding change: c.580C>T on transcript NM_005754.3 (MANE Select); coding-DNA position 580, C replaced by T.
Protein change: p.Pro194Ser; replaces proline 194 with serine.
Molecular consequence: missense variant.
Genome position (GRCh38, 1-based): chr5:151,797,267, C>T. VCF-style: chr5-151797267-C-T. GRCh37 (hg19) VCF-style: chr5-151176828-C-T.
Other names: c.580C>T, p.Pro194Ser (NM_198395.2); short protein forms P194S.
Identifiers: ClinVar variation 3381285 (VCV003381285.1).
Genomic context (GRCh38, chr5:151,797,267, plus strand): 5'-CTCAAATTTTCCTGTCAAAGTAATGACATGGAAGAACATTTAGAGGAGCCTGTTGCTGAA[C>T]CAGAGCCTGATCCTGAACCAGAACCAGAACAAGAACCTGTATCTGAAATCCAAGAGGAAA-3'
Protein context (NP_005745.1, residues 184-204): EEHLEEPVAE[Pro194Ser]EPDPEPEPEQ